The following is an entry in ClinVar:

NM_000290.4(PGAM2):c.363C>T (p.Ile121=)

Genes: DBNL (drebrin like; plus strand), PGAM2 (phosphoglycerate mutase 2; minus strand), LOC129998342 (ATAC-STARR-seq lymphoblastoid active region 25925; plus strand). Cytogenetic location: 7p13.
Variant type: single nucleotide variant.
Coding change: c.363C>T on transcript NM_000290.4 (MANE Select); coding-DNA position 363, C replaced by T.
Protein change: p.Ile121=; no amino-acid change (isoleucine 121 retained).
Molecular consequence: synonymous variant. On other transcripts: 3 prime UTR variant (6).
Genome position (GRCh38, 1-based): chr7:44,065,167, G>A on the plus strand (C>T on the coding strand, the complement: PGAM2 is on the minus strand). VCF-style: chr7-44065167-G-A. GRCh37 (hg19) VCF-style: chr7-44104766-G-A.
Other names: c.*4251G>A (NM_001014436.3, NM_001122956.2, NM_001284313.2 and 3 more transcripts).
Identifiers: ClinVar variation 1602236 (VCV001602236.10), dbSNP rs768642477, ClinGen allele CA4236609.
Genomic context (GRCh38, chr7:44,065,167, plus strand): 5'-GCAGCCCACCTTGCTAATGGAGTTGTAGTAGGGGTGCTTCTCGTCCATCGGGGGCGGCGG[G>A]ATGTCGAAGGAGCGCCTCCAGATCTTCACCTGCTCCTCCCCGTGCTTGGCGGCCGTTTCT-3'
Protein context (NP_000281.2, residues 111-131): QVKIWRRSFD[Ile121=]PPPPMDEKHP

ClinVar aggregate classification (germline): Likely benign. Review status: criteria provided, single submitter (1 of 4 stars). 2 submissions from 2 submitters: Likely benign (1). 1 of the submissions does not count toward it. Last evaluated 2024-04-26.

Conditions:
Glycogen storage disease type X (GSD10). Also called: PGAMM DEFICIENCY; PHOSPHOGLYCERATE MUTASE, MUSCLE, DEFICIENCY OF; Dimauro disease; Glycogen storage disease due to phosphoglycerate mutase deficiency; GSD X; MYOPATHY DUE TO PHOSPHOGLYCERATE MUTASE DEFICIENCY. Identifiers: Orphanet 97234, MedGen C0268149, MONDO:0009865, OMIM 261670.
PGAM2-related disorder. Also called: PGAM2-related condition.

Allele frequency attached by ClinVar (database versions not stated): gnomAD exomes below 0.00001; ExAC 0.00001; gnomAD 0.00001; TOPMed 0.00001.
gnomAD v4.1: 8 of 1,613,818 alleles (0.0005%); highest among the groups gnomAD compares: African/African-American, 0.008%; no homozygotes.

Submissions (2):

Labcorp Genetics (formerly Invitae), Labcorp
Classification: Likely benign for Glycogen storage disease type X. Last evaluated: 2024-04-26. Review status: criteria provided, single submitter. Criteria: Invitae Variant Classification Sherloc (09022015). Collection method: clinical testing. Allele origin: germline.

PreventionGenetics, part of Exact Sciences
Classification: Likely benign for PGAM2-related condition. Last evaluated: 2023-08-30. Review status: no assertion criteria provided. Collection method: clinical testing. Allele origin: germline. Not counted in ClinVar's aggregate classification.
Comment: This variant is classified as likely benign based on ACMG/AMP sequence variant interpretation guidelines (Richards et al. 2015 PMID: 25741868, with internal and published modifications).